The following is an entry in ClinVar:

ClinVar aggregate classification (germline): Uncertain significance. Review status: criteria provided, multiple submitters, no conflicts (2 of 4 stars). 2 submissions from 2 submitters: Uncertain significance (2). Last evaluated 2024-08-17.

Conditions:
Severe combined immunodeficiency due to DNA-PKcs deficiency. Also called: IMMUNODEFICIENCY 26 WITH NEUROLOGIC ABNORMALITIES; Immunodeficiency 26 with or without neurologic abnormalities. Identifiers: Orphanet 317425, MedGen C4014833, MONDO:0014423, OMIM 615966.

Allele frequency attached by ClinVar (database versions not stated): gnomAD 0.00001; TOPMed 0.00002.
gnomAD v4.1: 8 of 1,597,900 alleles (0.0005%); highest among the groups gnomAD compares: African/African-American, 0.0013%; no homozygotes.

Submissions (2):

Labcorp Genetics (formerly Invitae), Labcorp
Classification: Uncertain significance for Severe combined immunodeficiency due to DNA-PKcs deficiency. Last evaluated: 2024-08-17. Review status: criteria provided, single submitter. Criteria: Invitae Variant Classification Sherloc (09022015). Collection method: clinical testing. Allele origin: germline.
Comment: This sequence change replaces histidine, which is basic and polar, with arginine, which is basic and polar, at codon 1304 of the PRKDC protein (p.His1304Arg). This variant is not present in population databases (gnomAD no frequency). This variant has not been reported in the literature in individuals affected with PRKDC-related conditions. ClinVar contains an entry for this variant (Variation ID: 810285). Invitae Evidence Modeling of protein sequence and biophysical properties (such as structural, functional, and spatial information, amino acid conservation, physicochemical variation, residue mobility, and thermodynamic stability) indicates that this missense variant is not expected to disrupt PRKDC protein function with a negative predictive value of 80%. In summary, the available evidence is currently insufficient to determine the role of this variant in disease. Therefore, it has been classified as a Variant of Uncertain Significance.

CeGaT Center for Human Genetics Tuebingen
Classification: Uncertain significance. Last evaluated: 2019-01-01. Review status: criteria provided, single submitter. Criteria: CeGaT Center For Human Genetics Tuebingen Variant Classification Criteria Version 2. Collection method: clinical testing. Allele origin: germline. Affected: yes. Observed: 1 variant allele.

NM_006904.7(PRKDC):c.3911A>G (p.His1304Arg)

Gene: PRKDC (protein kinase, DNA-activated, catalytic subunit; minus strand). Cytogenetic location: 8q11.21.
Variant type: single nucleotide variant.
Coding change: c.3911A>G on transcript NM_006904.7 (MANE Select); coding-DNA position 3911, A replaced by G.
Protein change: p.His1304Arg; replaces histidine 1304 with arginine.
Molecular consequence: missense variant.
Genome position (GRCh38, 1-based): chr8:47,890,417, T>C on the plus strand (A>G on the coding strand, the complement: PRKDC is on the minus strand). VCF-style: chr8-47890417-T-C. GRCh37 (hg19) VCF-style: chr8-48802978-T-C.
Other names: c.3911A>G, p.His1304Arg (NM_001081640.2); short protein forms H1304R.
Identifiers: ClinVar variation 810285 (VCV000810285.44), dbSNP rs1315944028, ClinGen allele CA371148954.
Genomic context (GRCh38, chr8:47,890,417, plus strand): 5'-GGGCTTGTTCTGTTACCTGCTGCCCCAGTGCCAAAGCACTTTTCTGCTGCTATAATGTCA[T>C]GCATGGCAATGCTTTCTAAGAAGAAAGCCACTGCTTTCAAAAGTGAAGACTGGGCTTCAG-3'
Protein context (NP_008835.5, residues 1294-1314): VAFFLESIAM[His1304Arg]DIIAAEKCFG